The following is an entry in ClinVar:

ClinVar aggregate classification (germline): Uncertain significance (1 of 4 stars; one submission).

Conditions:
Hereditary cancer-predisposing syndrome. Also called: Neoplastic Syndromes, Hereditary; Tumor predisposition; Hereditary Cancer Syndrome; Hereditary neoplastic syndrome. Identifiers: Orphanet 140162, MedGen C0027672, MeSH D009386, MONDO:0015356.

Allele frequency attached by ClinVar (database versions not stated): gnomAD 0.00001.
gnomAD v4.1: 1 of 1,612,520 alleles (0.000062%); highest among the groups gnomAD compares: South Asian, 0.0011%; no homozygotes.

Submission:

Ambry Genetics
Classification: Uncertain significance for Hereditary cancer-predisposing syndrome. Last evaluated: 2020-01-29. Review status: criteria provided, single submitter. Criteria: Ambry Variant Classification Scheme 2023. Collection method: clinical testing. Allele origin: germline.
Comment: The p.L594F variant (also known as c.1780C>T), located in coding exon 11 of the RAD50 gene, results from a C to T substitution at nucleotide position 1780. The leucine at codon 594 is replaced by phenylalanine, an amino acid with highly similar properties. This amino acid position is highly conserved in available vertebrate species. In addition, this alteration is predicted to be tolerated by in silico analysis. Since supporting evidence is limited at this time, the clinical significance of this alteration remains unclear.

NM_005732.4(RAD50):c.1780C>T (p.Leu594Phe)

Gene: RAD50 (RAD50 double strand break repair protein; plus strand). Cytogenetic location: 5q31.1.
Variant type: single nucleotide variant.
Coding change: c.1780C>T on transcript NM_005732.4 (MANE Select); coding-DNA position 1780, C replaced by T.
Protein change: p.Leu594Phe; replaces leucine 594 with phenylalanine.
Molecular consequence: missense variant.
Genome position (GRCh38, 1-based): chr5:132,592,021, C>T. VCF-style: chr5-132592021-C-T. GRCh37 (hg19) VCF-style: chr5-131927713-C-T.
Other names: short protein forms L594F.
Identifiers: ClinVar variation 1779987 (VCV001779987.2), dbSNP rs1750711214, ClinGen allele CA360946773.
Genomic context (GRCh38, chr5:132,592,021, plus strand): 5'-AAACAGCTTGAAGACTGGCTACATAGTAAATCAAAAGAAATTAATCAGACCAGGGACAGA[C>T]TTGCCAAATTGAAGTAAGTTGCAACATTTGGAGATGTAATAGAAATCTCTTATTTCATGC-3'
Protein context (NP_005723.2, residues 584-604): SKEINQTRDR[Leu594Phe]AKLNKELASS